The following is an entry in ClinVar:

ClinVar aggregate classification (germline): Pathogenic/Likely pathogenic. Review status: criteria provided, multiple submitters, no conflicts (2 of 4 stars). 3 submissions from 3 submitters: Pathogenic (1); Likely pathogenic (2). Last evaluated 2023-04-13.

Conditions:
Tyrosinemia type I (TYRSN1). Also called: Tyrosinemia type 1; Fumarylacetoacetase deficiency; Deficiency of fumarylacetoacetase; HEPATORENAL TYROSINEMIA; FAH DEFICIENCY. Identifiers: Orphanet 882, MedGen C0268490, MONDO:0010161, OMIM 276700. Disease mechanism: loss of function.

Submissions (3):

Labcorp Genetics (formerly Invitae), Labcorp
Classification: Pathogenic for Tyrosinemia type I. Last evaluated: 2023-04-13. Review status: criteria provided, single submitter. Criteria: Invitae Variant Classification Sherloc (09022015). Collection method: clinical testing. Allele origin: germline.
Comment: For these reasons, this variant has been classified as Pathogenic. This variant disrupts a region of the FAH protein in which other variant(s) (p.Val412Glu) have been determined to be pathogenic (Invitae). This suggests that this is a clinically significant region of the protein, and that variants that disrupt it are likely to be disease-causing. This variant is not present in population databases (gnomAD no frequency). This variant has not been reported in the literature in individuals affected with FAH-related conditions. This sequence change creates a premature translational stop signal (p.Tyr401*) in the FAH gene. While this is not anticipated to result in nonsense mediated decay, it is expected to disrupt the last 19 amino acid(s) of the FAH protein.

Women's Health and Genetics/Laboratory Corporation of America, LabCorp
Classification: Likely pathogenic for Tyrosinemia type I. Last evaluated: 2023-03-18. Review status: criteria provided, single submitter. Criteria: LabCorp Variant Classification Summary - May 2015. Collection method: clinical testing. Allele origin: germline.
Comment: Variant summary: FAH c.1203C>G (p.Tyr401X) results in a premature termination codon and is predicted to cause a truncation of the encoded protein. Although the variant is not predicted to cause absence of the protein through nonsense mediated decay, the variant disrupts the last 19 amino acids in the protein sequence. Pathogenic missense variants downstream of this truncation have been reported in ClinVar (e.g. ClinVar: 459903), suggesting that the terminal 19 amino acids are important for normal function. The variant was absent in 251416 control chromosomes (gnomAD). To our knowledge, no occurrence of c.1203C>G in individuals affected with Tyrosinemia Type 1 and no experimental evidence demonstrating its impact on protein function have been reported. No clinical diagnostic laboratories have submitted clinical-significance assessments for this variant to ClinVar after 2014. Based on the evidence outlined above, the variant was classified as likely pathogenic.

Baylor Genetics
Classification: Likely pathogenic for Tyrosinemia type I. Last evaluated: 2022-12-28. Review status: criteria provided, single submitter. Criteria: ACMG Guidelines, 2015. Collection method: clinical testing. Allele origin: unknown.

NM_000137.4(FAH):c.1203C>G (p.Tyr401Ter)

Gene: FAH (fumarylacetoacetate hydrolase; plus strand). Cytogenetic location: 15q25.1.
Variant type: single nucleotide variant.
Coding change: c.1203C>G on transcript NM_000137.4 (MANE Select); coding-DNA position 1203, C replaced by G.
Protein change: p.Tyr401Ter; replaces tyrosine 401 with a stop codon.
Molecular consequence: nonsense.
Genome position (GRCh38, 1-based): chr15:80,186,152, C>G. VCF-style: chr15-80186152-C-G. GRCh37 (hg19) VCF-style: chr15-80478494-C-G.
Other names: c.1203C>G, p.Tyr401Ter (NM_001374377.1, NM_001374380.1); short protein forms Y401*.
Identifiers: ClinVar variation 2501041 (VCV002501041.5), dbSNP rs2041368952, ClinGen allele CA393622176.